The following is an entry in ClinVar:

NM_007180.3(TREH):c.1345T>C (p.Tyr449His)

Gene: TREH (trehalase; minus strand). Cytogenetic location: 11q23.3.
Variant type: single nucleotide variant.
Coding change: c.1345T>C on transcript NM_007180.3 (MANE Select); coding-DNA position 1345, T replaced by C.
Protein change: p.Tyr449His; replaces tyrosine 449 with histidine.
Molecular consequence: missense variant.
Genome position (GRCh38, 1-based): chr11:118,659,457, A>G on the plus strand (T>C on the coding strand, the complement: TREH is on the minus strand). VCF-style: chr11-118659457-A-G. GRCh37 (hg19) VCF-style: chr11-118530166-A-G.
Other names: c.1252T>C, p.Tyr418His (NM_001301065.2); short protein forms Y449H, Y418H.
Identifiers: ClinVar variation 376781 (VCV000376781.4), dbSNP rs11827611, ClinGen allele CA6307831.

ClinVar aggregate classification (germline): Likely benign. Review status: criteria provided, multiple submitters, no conflicts (2 of 4 stars). 2 submissions from 2 submitters: Likely benign (2). Last evaluated 2016-10-11.

Allele frequency attached by ClinVar (database versions not stated): gnomAD exomes 0.00093 and 0.00253; ExAC 0.00473; gnomAD 0.01013 and 0.01084; ESP Exome Variant Server 0.01074; TOPMed 0.01108; 1000 Genomes Project 0.01198; 1000 Genomes Project 30x 0.01234.
gnomAD v4.1: 2,944 of 1,604,718 alleles (0.18%); highest among the groups gnomAD compares: African/African-American, 3.5%; 33 homozygotes.

Submissions (2):

Center for Pediatric Genomic Medicine, Children's Mercy Hospital and Clinics
Classification: Likely benign. Last evaluated: 2016-10-11. Review status: criteria provided, single submitter. Criteria: ACMG Guidelines, 2015. Collection method: clinical testing. Allele origin: germline.
ClinVar note: Converted during submission from Likely Benign to Likely benign.

Breakthrough Genomics
Classification: Likely benign. Review status: criteria provided, single submitter. Criteria: ACMG Guidelines, 2015. Collection method: not provided. Allele origin: germline. Inheritance: Autosomal recessive inheritance. Affected: yes.